The following is an entry in ClinVar:

ClinVar aggregate classification (germline): Benign (0 of 4 stars; one submission).

Conditions:
MYOM2-related disorder. Also called: MYOM2-related condition.

Allele frequency attached by ClinVar (database versions not stated): ESP Exome Variant Server 0.00469; gnomAD 0.00566; TOPMed 0.00675; 1000 Genomes Project 30x 0.00687; ExAC 0.00728; gnomAD exomes 0.00768; 1000 Genomes Project 0.00799.
gnomAD v4.1: 12,091 of 1,614,154 alleles (0.75%); highest among the groups gnomAD compares: East Asian, 2.2%; 76 homozygotes.

Submission:

PreventionGenetics, part of Exact Sciences
Classification: Benign for MYOM2-related condition. Last evaluated: 2019-06-07. Review status: no assertion criteria provided. Collection method: clinical testing. Allele origin: germline.
Comment: This variant is classified as benign based on ACMG/AMP sequence variant interpretation guidelines (Richards et al. 2015 PMID: 25741868, with internal and published modifications).

NM_003970.4(MYOM2):c.2067T>C (p.Ala689=)

Gene: MYOM2 (myomesin 2; plus strand). Cytogenetic location: 8p23.3.
Variant type: single nucleotide variant.
Coding change: c.2067T>C on transcript NM_003970.4 (MANE Select); coding-DNA position 2067, T replaced by C.
Protein change: p.Ala689=; no amino-acid change (alanine 689 retained).
Molecular consequence: synonymous variant.
Genome position (GRCh38, 1-based): chr8:2,094,033, T>C. VCF-style: chr8-2094033-T-C. GRCh37 (hg19) VCF-style: chr8-2041860-T-C.
Identifiers: ClinVar variation 3044267 (VCV003044267.2), dbSNP rs62478385, ClinGen allele CA170456676.